The following is an entry in ClinVar:

NM_016464.5(TMEM138):c.377C>T (p.Ala126Val)

Gene: TMEM138 (transmembrane protein 138; plus strand). Cytogenetic location: 11q12.2.
Variant type: single nucleotide variant.
Coding change: c.377C>T on transcript NM_016464.5 (MANE Select); coding-DNA position 377, C replaced by T.
Protein change: p.Ala126Val; replaces alanine 126 with valine.
Molecular consequence: missense variant. On other transcripts: non-coding transcript variant (1).
Genome position (GRCh38, 1-based): chr11:61,368,597, C>T. VCF-style: chr11-61368597-C-T. GRCh37 (hg19) VCF-style: chr11-61136069-C-T.
Other names: c.203C>T, p.Ala68Val (NM_001330281.2); short protein forms A68V, A126V.
Identifiers: ClinVar variation 1356604 (VCV001356604.8), dbSNP rs1045760713, ClinGen allele CA222874579.

ClinVar aggregate classification (germline): Uncertain significance. Review status: criteria provided, multiple submitters, no conflicts (2 of 4 stars). 2 submissions from 2 submitters: Uncertain significance (2). Last evaluated 2025-02-17.

Conditions:
Joubert syndrome 16 (JBTS16). Identifiers: Orphanet 2318, MedGen C3280906, MONDO:0013764, OMIM 614465.

Allele frequency attached by ClinVar (database versions not stated): gnomAD exomes below 0.00001; TOPMed below 0.00001.
gnomAD v4.1: 1 of 1,593,826 alleles (0.000063%); highest among the groups gnomAD compares: South Asian, 0.0011%; no homozygotes.

Submissions (2):

Labcorp Genetics (formerly Invitae), Labcorp
Classification: Uncertain significance for Joubert syndrome 16. Last evaluated: 2025-02-17. Review status: criteria provided, single submitter. Criteria: Invitae Variant Classification Sherloc (09022015). Collection method: clinical testing. Allele origin: germline.
Comment: This sequence change replaces alanine, which is neutral and non-polar, with valine, which is neutral and non-polar, at codon 126 of the TMEM138 protein (p.Ala126Val). This variant is not present in population databases (gnomAD no frequency). This variant has not been reported in the literature in individuals affected with TMEM138-related conditions. ClinVar contains an entry for this variant (Variation ID: 1356604). An algorithm developed to predict the effect of missense changes on protein structure and function (PolyPhen-2) suggests that this variant is likely to be tolerated. In summary, the available evidence is currently insufficient to determine the role of this variant in disease. Therefore, it has been classified as a Variant of Uncertain Significance.

Laboratorio de Genetica e Diagnostico Molecular, Hospital Israelita Albert Einstein
Classification: Uncertain significance for Joubert syndrome 16. Last evaluated: 2025-02-14. Review status: criteria provided, single submitter. Criteria: ACMG Guidelines, 2015. Collection method: clinical testing. Allele origin: germline. Affected: yes.
Comment: ACMG classification criteria: PM2 supporting, BP4 supporting